The following is an entry in ClinVar:

ClinVar aggregate classification (germline): Benign/Likely benign. Review status: criteria provided, multiple submitters, no conflicts (2 of 4 stars). 3 submissions from 3 submitters: Benign (1); Likely benign (2). Last evaluated 2025-10-15.

Conditions:
Hereditary cancer-predisposing syndrome. Also called: Hereditary Cancer Syndrome; Tumor predisposition; Hereditary neoplastic syndrome; Neoplastic Syndromes, Hereditary. Identifiers: Orphanet 140162, MedGen C0027672, MeSH D009386, MONDO:0015356.
Juvenile polyposis syndrome (JPS). Identifiers: Orphanet 2929, MedGen C0345893, MONDO:0017380, OMIM 174900.

Submissions (3):

Labcorp Genetics (formerly Invitae), Labcorp
Classification: Likely benign for Juvenile polyposis syndrome. Last evaluated: 2025-10-15. Review status: criteria provided, single submitter. Criteria: Invitae Variant Classification Sherloc (09022015). Collection method: clinical testing. Allele origin: germline.

Ambry Genetics
Classification: Likely benign for Hereditary cancer-predisposing syndrome. Last evaluated: 2024-10-31. Review status: criteria provided, single submitter. Criteria: Ambry Variant Classification Scheme 2023. Collection method: clinical testing. Allele origin: germline.

Myriad Genetics, Inc.
Classification: Benign for Juvenile polyposis syndrome. Last evaluated: 2024-08-07. Review status: criteria provided, single submitter. Criteria: Myriad Autosomal Dominant, Autosomal Recessive and X-Linked Classification Criteria (2023). Collection method: clinical testing. Allele origin: unknown.
Comment: This variant is considered benign. This variant is a silent/synonymous amino acid change and it is not expected to impact splicing.

NM_004329.3(BMPR1A):c.1170C>T (p.Asp390=)

Gene: BMPR1A (bone morphogenetic protein receptor type 1A; plus strand). Cytogenetic location: 10q23.2.
Variant type: single nucleotide variant.
Coding change: c.1170C>T on transcript NM_004329.3 (MANE Select); coding-DNA position 1170, C replaced by T.
Protein change: p.Asp390=; no amino-acid change (aspartic acid 390 retained).
Molecular consequence: synonymous variant. On other transcripts: non-coding transcript variant (3).
Genome position (GRCh38, 1-based): chr10:86,921,523, C>T. VCF-style: chr10-86921523-C-T. GRCh37 (hg19) VCF-style: chr10-88681280-C-T.
Other names: c.1245C>T, p.Asp415= (NM_001406559.1); c.1218C>T, p.Asp406= (NM_001406560.1); c.1170C>T, p.Asp390= (NM_001406561.1, NM_001406562.1, NM_001406563.1 and 19 more transcripts); c.1164C>T, p.Asp388= (NM_001406583.1); c.1086C>T, p.Asp362= (NM_001406584.1, NM_001406585.1, NM_001406586.1 and 2 more transcripts); c.828C>T, p.Asp276= (NM_001406589.1).
Identifiers: ClinVar variation 3378761 (VCV003378761.3).